The following is an entry in ClinVar:

ClinVar aggregate classification (germline): Pathogenic (1 of 4 stars; one submission).

Submission:

GeneDx
Classification: Pathogenic. Last evaluated: 2016-10-07. Review status: criteria provided, single submitter. Criteria: GeneDx Variant Classification (06012015). Collection method: clinical testing. Allele origin: germline. Affected: yes.
Comment: The c.2370delC pathogenic variant in the JAG1 gene causes a frameshift starting with codon Cysteine 791, changes this amino acid to a Valine residue and creates a premature Stop codon at position 29 of the new reading frame, denoted p.Cys791ValfsX29. This pathogenic variant is predicted to cause loss of normal protein function either through protein truncation or nonsense-mediated mRNA decay. The variant was not observed in approximately 6,500 individuals of European and African American ancestry in the NHLBI Exome Sequencing Project, indicating it is not a common benign variant in these populations.

NM_000214.3(JAG1):c.2370del (p.Cys791fs)

Gene: JAG1 (jagged canonical Notch ligand 1; minus strand). Cytogenetic location: 20p12.2.
Variant type: Deletion.
Coding change: c.2370del on transcript NM_000214.3 (MANE Select); coding-DNA position 2370, one base deleted (C; older notation c.2370delC).
Protein change: p.Cys791fs; shifts the reading frame from cysteine 791.
Molecular consequence: frameshift variant.
Genome position (GRCh38, 1-based): chr20:10,644,359, G deleted on the plus strand (C on the coding strand, the reverse complement: JAG1 is on the minus strand); the first of 3 consecutive G bases (chr20:10,644,359-10,644,361); deleting any one gives the same sequence. VCF-style (leftmost placement, unchanged base first): chr20-10644358-AG-A. GRCh37 (hg19) VCF-style: chr20-10625006-AG-A.
Other names: c.2370del, p.Cys791fs (LRG_1191t1); short protein forms C791fs.
Identifiers: ClinVar variation 280936 (VCV000280936.2), dbSNP rs886042050, ClinGen allele CA10603455.